The following is an entry in ClinVar:

ClinVar aggregate classification (germline): Benign. Review status: criteria provided, single submitter (1 of 4 stars). 2 submissions from 1 submitter: Benign (2). Last evaluated 2018-01-13.

Conditions:
Martsolf syndrome (MARTS). Also called: Congenital cataract with intellectual disability and hypogonadotropic hypogonadism syndrome. Identifiers: Orphanet 1387, MedGen C0796037, MONDO:0023910.
Warburg micro syndrome 2 (WARBM2). Also called: MICRO SYNDROME 2. Identifiers: Orphanet 2510, MedGen C3280214, MONDO:0013641, OMIM 614225.

Allele frequency attached by ClinVar (database versions not stated): gnomAD 0.00002 and 0.00057; TOPMed 0.00009; 1000 Genomes Project 0.00459.

Submissions (2):

Illumina Laboratory Services, Illumina
Classification: Benign for Warburg micro syndrome 2. Last evaluated: 2018-01-13. Review status: criteria provided, single submitter. Criteria: ICSL Variant Classification Criteria 13 December 2019. Collection method: clinical testing. Allele origin: germline.
Comment: This variant was observed in the ICSL laboratory as part of a predisposition screen in an ostensibly healthy population. It had not been previously curated by ICSL or reported in the Human Gene Mutation Database (HGMD: prior to June 1st, 2018), and was therefore a candidate for classification through an automated scoring system. Utilizing variant allele frequency, disease prevalence and penetrance estimates, and inheritance mode, an automated score was calculated to assess if this variant is too frequent to cause the disease. Based on the score and internal cut-off values, a variant classified as benign is not then subjected to further curation. The score for this variant resulted in a classification of benign for this disease.

Illumina Laboratory Services, Illumina
Classification: Benign for Martsolf syndrome 1. Last evaluated: 2018-01-13. Review status: criteria provided, single submitter. Criteria: ICSL Variant Classification Criteria 13 December 2019. Collection method: clinical testing. Allele origin: germline.
Comment: the same text as in the submission from Illumina Laboratory Services, Illumina above.

NM_012414.4(RAB3GAP2):c.*2043G>A

Gene: RAB3GAP2 (RAB3 GTPase activating non-catalytic protein subunit 2; minus strand). Cytogenetic location: 1q41.
Variant type: single nucleotide variant.
Coding change: c.*2043G>A on transcript NM_012414.4 (MANE Select); 2043 bases downstream of the stop codon, G replaced by A.
Molecular consequence: 3 prime UTR variant.
Genome position (GRCh38, 1-based): chr1:220,149,208, C>T on the plus strand (G>A on the coding strand, the complement: RAB3GAP2 is on the minus strand). VCF-style: chr1-220149208-C-T. GRCh37 (hg19) VCF-style: chr1-220322550-C-T.
Identifiers: ClinVar variation 295619 (VCV000295619.5), dbSNP rs367962640, ClinGen allele CA10609306.
Genomic context (GRCh38, chr1:220,149,208, plus strand): 5'-AGATTTATTTATTTTAAAAGCCCTTGATAAGTAGTAAAATATTTAACTGCTTTTCTTAAC[C>T]ATACAAGTCAGAATTAGATTTTAAAATTCTATGAAAAATTTTAGGATAACAAATCTAACT-3'